The following is an entry in ClinVar:

ClinVar aggregate classification (germline): Likely benign. Review status: criteria provided, multiple submitters, no conflicts (2 of 4 stars). 3 submissions from 3 submitters: Likely benign (3). Last evaluated 2026-05-18.

Submissions (3):

Women's Health and Genetics/Laboratory Corporation of America, LabCorp
Classification: Likely benign. Last evaluated: 2026-05-18. Review status: criteria provided, single submitter. Criteria: LabCorp Variant Classification Summary - May 2015. Collection method: clinical testing. Allele origin: germline.

Labcorp Genetics (formerly Invitae), Labcorp
Classification: Likely benign. Last evaluated: 2025-08-12. Review status: criteria provided, single submitter. Criteria: Invitae Variant Classification Sherloc (09022015). Collection method: clinical testing. Allele origin: germline.

CeGaT Center for Human Genetics Tuebingen
Classification: Likely benign. Last evaluated: 2024-09-01. Review status: criteria provided, single submitter. Criteria: CeGaT Center For Human Genetics Tuebingen Variant Classification Criteria Version 2. Collection method: clinical testing. Allele origin: germline. Affected: yes. Observed: 1 variant allele.
Comment: NEFH: BP4, BP7

NM_021076.4(NEFH):c.726C>G (p.Leu242=)

Gene: NEFH (neurofilament heavy chain; plus strand). Cytogenetic location: 22q12.2.
Variant type: single nucleotide variant.
Coding change: c.726C>G on transcript NM_021076.4 (MANE Select); coding-DNA position 726, C replaced by G.
Protein change: p.Leu242=; no amino-acid change (leucine 242 retained).
Molecular consequence: synonymous variant.
Genome position (GRCh38, 1-based): chr22:29,480,988, C>G. VCF-style: chr22-29480988-C-G. GRCh37 (hg19) VCF-style: chr22-29876977-C-G.
Identifiers: ClinVar variation 1957778 (VCV001957778.20), dbSNP rs560344725, ClinGen allele CA514174075.